The following is an entry in ClinVar:

ClinVar aggregate classification (germline): Uncertain significance (1 of 4 stars; one submission).

Conditions:
Catecholaminergic polymorphic ventricular tachycardia 1. Also called: VENTRICULAR TACHYCARDIA, CATECHOLAMINERGIC POLYMORPHIC, 1, WITH OR WITHOUT ATRIAL DYSFUNCTION AND/OR DILATED CARDIOMYOPATHY; VENTRICULAR TACHYCARDIA, STRESS-INDUCED POLYMORPHIC 1; RYR2-Related Catecholaminergic Polymorphic Ventricular Tachycardia. Identifiers: Orphanet 3286, MedGen C1631597, MONDO:0011484, OMIM 604772.

Submission:

Labcorp Genetics (formerly Invitae), Labcorp
Classification: Uncertain significance for Catecholaminergic polymorphic ventricular tachycardia 1. Last evaluated: 2022-03-28. Review status: criteria provided, single submitter. Criteria: Invitae Variant Classification Sherloc (09022015). Collection method: clinical testing. Allele origin: germline.
Comment: In summary, the available evidence is currently insufficient to determine the role of this variant in disease. Therefore, it has been classified as a Variant of Uncertain Significance. Algorithms developed to predict the effect of sequence changes on RNA splicing suggest that this variant may create or strengthen a splice site. Advanced modeling of protein sequence and biophysical properties (such as structural, functional, and spatial information, amino acid conservation, physicochemical variation, residue mobility, and thermodynamic stability) performed at Invitae indicates that this missense variant is expected to disrupt RYR2 protein function. This variant has not been reported in the literature in individuals affected with RYR2-related conditions. This variant is not present in population databases (gnomAD no frequency). This sequence change replaces glycine, which is neutral and non-polar, with cysteine, which is neutral and slightly polar, at codon 231 of the RYR2 protein (p.Gly231Cys).

NM_001035.3(RYR2):c.691G>T (p.Gly231Cys)

Gene: RYR2 (ryanodine receptor 2; plus strand). Cytogenetic location: 1q43.
Variant type: single nucleotide variant.
Coding change: c.691G>T on transcript NM_001035.3 (MANE Select); coding-DNA position 691, G replaced by T.
Protein change: p.Gly231Cys; replaces glycine 231 with cysteine.
Molecular consequence: missense variant.
Genome position (GRCh38, 1-based): chr1:237,388,101, G>T. VCF-style: chr1-237388101-G-T. GRCh37 (hg19) VCF-style: chr1-237551401-G-T.
Other names: short protein forms G231C.
Identifiers: ClinVar variation 1489124 (VCV001489124.9), dbSNP rs2149847466, ClinGen allele CA345378148.